The following is an entry in ClinVar:

NM_053274.3(GLMN):c.1186G>T (p.Asp396Tyr)

Gene: GLMN (glomulin, FKBP associated protein; minus strand). Cytogenetic location: 1p22.1.
Variant type: single nucleotide variant.
Coding change: c.1186G>T on transcript NM_053274.3 (MANE Select); coding-DNA position 1186, G replaced by T.
Protein change: p.Asp396Tyr; replaces aspartic acid 396 with tyrosine.
Molecular consequence: missense variant. On other transcripts: non-coding transcript variant (1).
Genome position (GRCh38, 1-based): chr1:92,266,447, C>A on the plus strand (G>T on the coding strand, the complement: GLMN is on the minus strand). VCF-style: chr1-92266447-C-A. GRCh37 (hg19) VCF-style: chr1-92732004-C-A.
Other names: c.1144G>T, p.Asp382Tyr (NM_001319683.2); short protein forms D382Y, D396Y.
Identifiers: ClinVar variation 4537697 (VCV004537697.1).

ClinVar aggregate classification (germline): Uncertain significance (1 of 4 stars; one submission).

Submission:

GeneDx
Classification: Uncertain significance. Last evaluated: 2025-06-13. Review status: criteria provided, single submitter. Criteria: GeneDx Variant Classification Process June 2021. Collection method: clinical testing. Allele origin: germline. Affected: yes.
Comment: Not observed at significant frequency in large population cohorts (gnomAD); In silico analysis supports that this missense variant has a deleterious effect on protein structure/function; In silico analysis supports a deleterious effect on splicing; Has not been previously published as pathogenic or benign to our knowledge